The following is an entry in ClinVar:

NM_004859.4(CLTC):c.2827_2828del (p.Leu943fs)

Gene: CLTC (clathrin heavy chain; plus strand). Cytogenetic location: 17q23.1.
Variant type: Deletion.
Coding change: c.2827_2828del on transcript NM_004859.4 (MANE Select); coding-DNA positions 2827 to 2828, 2 bases deleted (CT; older notation c.2827_2828delCT).
Protein change: p.Leu943fs; shifts the reading frame from leucine 943.
Molecular consequence: frameshift variant.
Genome position (GRCh38, 1-based): chr17:59,679,427-59,679,428, CT deleted; deleting any 2 consecutive bases within chr17:59,679,426-59,679,428 gives the same sequence; the c. name uses the placement nearest the transcript's 3' end. VCF-style (leftmost placement, unchanged base first): chr17-59679425-GTC-G. GRCh37 (hg19) VCF-style: chr17-57756786-GTC-G.
Other names: c.2839_2840del, p.Leu947fs (NM_001288653.2); short protein forms L943fs, L947fs.
Identifiers: ClinVar variation 973763 (VCV000973763.2), dbSNP rs2033035924, ClinGen allele CA1139665753.

ClinVar aggregate classification (germline): Pathogenic (1 of 4 stars; one submission).

Conditions:
Intellectual developmental disorder, autosomal dominant 56. Also called: Intellectual disability, autosomal dominant 56; MENTAL RETARDATION, AUTOSOMAL DOMINANT 56. Identifiers: MedGen C4693389, MONDO:0030922, OMIM 617854.

Submission:

Institute for Medical Genetics and Human Genetics, Charité - Universitätsmedizin Berlin
Classification: Pathogenic for Intellectual developmental disorder, autosomal dominant 56. Review status: criteria provided, single submitter. Criteria: ACMG Guidelines, 2015. Collection method: case-control. Allele origin: de novo. Inheritance: Autosomal dominant inheritance. Affected: yes. Observed: 1 heterozygote.
Comment: We were able to detect the sequence variant c.2827_2828delCT in the CLTC gene for XXX. CLTC codes for the protein "clathrin heavy chain 1", which plays an essential role in intracellular transport and endocytosis. At the protein level, the sequence variant probably leads to a shift in the reading frame and premature termination of protein biosynthesis. The sequence variant is not listed in the population databases ExAC and gnomAD. Similar de novo sequence variants have already been described several times in connection with the autosomal dominant inherited mental retardation syndrome 56 (Hamdan et al. 2017). Haploinsufficiency due to loss-of-function (LoF) intolerance is suspected as the causal pathomechanism (pLI score in ExAC of 1; Lek et al. 2016). Developmental delay and mental retardation of varying degrees of severity have been described in patients with truncating mutations in CTLC. Further, variably pronounced clinical abnormalities include Microcephaly, muscular hypotension, seizure disorders, ataxia and behavioural abnormalities. According to current knowledge, we therefore classify the sequence variant as pathogenic according to the ACMG criteria (class V).